The following is an entry in ClinVar:

ClinVar aggregate classification (germline): Uncertain significance (1 of 4 stars; one submission).

Conditions:
Chuvash polycythemia. Also called: POLYCYTHEMIA, VHL-DEPENDENT. Identifiers: Orphanet 238557, MedGen C1837915, MONDO:0009892, OMIM 263400.
Von Hippel-Lindau syndrome (VHLS). Also called: VHL syndrome; von Hippel–Lindau syndrome; Von Hippel-Lindau. Identifiers: Orphanet 892, MedGen C0019562, MONDO:0008667, OMIM 193300. Disease mechanism: loss of function.

Submission:

Labcorp Genetics (formerly Invitae), Labcorp
Classification: Uncertain significance for Von Hippel-Lindau syndrome; Chuvash polycythemia. Last evaluated: 2024-04-08. Review status: criteria provided, single submitter. Criteria: Invitae Variant Classification Sherloc (09022015). Collection method: clinical testing. Allele origin: germline.
Comment: This sequence change falls in intron 1 of the VHL gene. It is not expected to change the encoded amino acid sequence of the VHL protein. However, this sequence change falls within a cryptic exon in the VHL gene, known as exon E1’, which is naturally expressed at low levels in several human tissues (PMID: 29891534). This variant is not present in population databases (gnomAD no frequency). This variant has not been reported in the literature in individuals affected with VHL-related conditions. Experimental studies and prediction algorithms are not available or were not evaluated, and the functional significance of this variant is currently unknown. Algorithms developed to predict the effect of sequence changes on RNA splicing suggest that this variant is not likely to affect RNA splicing. In summary, the available evidence is currently insufficient to determine the role of this variant in disease. Therefore, it has been classified as a Variant of Uncertain Significance.

Literature cited by the submitters: PubMed 29891534.

NM_000551.4(VHL):c.340+649dup

Genes: VHL (von Hippel-Lindau tumor suppressor; plus strand), LOC107303340 (3p25 von Hippel-Lindau tumor suppressor, E3 ubiquitin protein ligase Alu-mediated recombination region; plus strand). Cytogenetic location: 3p25.3.
Variant type: Duplication.
Coding change: c.340+649dup on transcript NM_000551.4 (MANE Select); 649 bases into the intron after coding-DNA position 340, one base duplicated (G; older notation c.340+649dupG).
Molecular consequence: intron variant. On other transcripts: frameshift variant (1), non-coding transcript variant (1).
Genome position (GRCh38, 1-based): chr3:10,142,836, G duplicated. VCF-style (leftmost placement, unchanged base first): chr3-10142835-T-TG. GRCh37 (hg19) VCF-style: chr3-10184519-T-TG.
Other names: c.414dup, p.Thr139fs (NM_001354723.2); c.340+649dup (NM_198156.3); short protein forms T139fs.
Identifiers: ClinVar variation 3755750 (VCV003755750.2).